The following is an entry in ClinVar:

ClinVar aggregate classification (germline): Uncertain significance (1 of 4 stars; one submission).

Allele frequency attached by ClinVar (database versions not stated): ExAC 0.00001; gnomAD exomes 0.00001; gnomAD 0.00003; TOPMed 0.00003.

Submission:

Labcorp Genetics (formerly Invitae), Labcorp
Classification: Uncertain significance. Last evaluated: 2024-11-25. Review status: criteria provided, single submitter. Criteria: Invitae Variant Classification Sherloc (09022015). Collection method: clinical testing. Allele origin: germline.
Comment: This sequence change replaces glutamic acid, which is acidic and polar, with lysine, which is basic and polar, at codon 188 of the MAP3K8 protein (p.Glu188Lys). This variant is present in population databases (rs750729733, gnomAD 0.01%). This variant has not been reported in the literature in individuals affected with MAP3K8-related conditions. ClinVar contains an entry for this variant (Variation ID: 1461331). An algorithm developed to predict the effect of missense changes on protein structure and function (PolyPhen-2) suggests that this variant is likely to be disruptive. In summary, the available evidence is currently insufficient to determine the role of this variant in disease. Therefore, it has been classified as a Variant of Uncertain Significance.

NM_005204.4(MAP3K8):c.562G>A (p.Glu188Lys)

Gene: MAP3K8 (mitogen-activated protein kinase kinase kinase 8; plus strand). Cytogenetic location: 10p11.23.
Variant type: single nucleotide variant.
Coding change: c.562G>A on transcript NM_005204.4 (MANE Select); coding-DNA position 562, G replaced by A.
Protein change: p.Glu188Lys; replaces glutamic acid 188 with lysine.
Molecular consequence: missense variant.
Genome position (GRCh38, 1-based): chr10:30,450,315, G>A. VCF-style: chr10-30450315-G-A. GRCh37 (hg19) VCF-style: chr10-30739244-G-A.
Other names: c.562G>A, p.Glu188Lys (NM_001244134.1, NM_001320961.2); short protein forms E188K.
Identifiers: ClinVar variation 1461331 (VCV001461331.8), dbSNP rs750729733, ClinGen allele CA5459693.